The following is an entry in ClinVar:

ClinVar aggregate classification (germline): Conflicting classifications of pathogenicity. Review status: criteria provided, conflicting classifications (1 of 4 stars). 3 submissions from 3 submitters: Uncertain significance (1); Likely benign (2). Last evaluated 2023-09-27.

Conditions:
Walker-Warburg congenital muscular dystrophy. Also called: Muscular dystrophy-dystroglycanopathy, type A; Walker-Warburg syndrome. Identifiers: Orphanet 899, MedGen C0265221, MONDO:0000171.
Muscular dystrophy-dystroglycanopathy (congenital with impaired intellectual development), type B, 1. Also called: Muscular dystrophy-dystroglycanopathy (congenital with intellectual disability), type B1; MUSCULAR DYSTROPHY, CONGENITAL, POMT1-RELATED. Identifiers: MedGen C5436962, MONDO:0013159, OMIM 613155.
Autosomal recessive limb-girdle muscular dystrophy type 2K. Also called: MUSCULAR DYSTROPHY-DYSTROGLYCANOPATHY (LIMB-GIRDLE), TYPE C, 1; MUSCULAR DYSTROPHY, LIMB-GIRDLE, TYPE 2K. Identifiers: Orphanet 86812, MedGen C1836373, MONDO:0012248, OMIM 609308.

Allele frequency attached by ClinVar (database versions not stated): gnomAD exomes 0.00002 and 0.00001; TOPMed 0.00002; ESP Exome Variant Server 0.00008; 1000 Genomes Project 30x 0.00016; 1000 Genomes Project 0.00020; ExAC 0.00001; gnomAD 0.00001.
gnomAD v4.1: 17 of 1,614,150 alleles (0.0011%); highest among the groups gnomAD compares: Middle Eastern, 0.016%; no homozygotes.

Submissions (3):

Labcorp Genetics (formerly Invitae), Labcorp
Classification: Likely benign for Muscular dystrophy-dystroglycanopathy (congenital with impaired intellectual development), type B, 1; Walker-Warburg congenital muscular dystrophy; Autosomal recessive limb-girdle muscular dystrophy type 2K. Last evaluated: 2023-09-27. Review status: criteria provided, single submitter. Criteria: Invitae Variant Classification Sherloc (09022015). Collection method: clinical testing. Allele origin: germline.

Eurofins Ntd Llc (ga)
Classification: Uncertain significance. Last evaluated: 2017-05-05. Review status: criteria provided, single submitter. Criteria: EGL Classification Definitions 2015. Collection method: clinical testing. Allele origin: germline. Observed: 2 variant alleles, 2 heterozygotes.

GeneDx
Classification: Likely benign. Last evaluated: 2016-04-29. Review status: criteria provided, single submitter. Criteria: GeneDx Variant Classification (06012015). Collection method: clinical testing. Allele origin: germline. Affected: yes.
Comment: This variant is considered likely benign or benign based on one or more of the following criteria: it is a conservative change, it occurs at a poorly conserved position in the protein, it is predicted to be benign by multiple in silico algorithms, and/or has population frequency not consistent with disease.

NM_001077365.2(POMT1):c.345G>A (p.Ser115=)

Gene: POMT1 (protein O-mannosyltransferase 1; plus strand). Cytogenetic location: 9q34.13.
Variant type: single nucleotide variant.
Coding change: c.345G>A on transcript NM_001077365.2 (MANE Select); coding-DNA position 345, G replaced by A.
Protein change: p.Ser115=; no amino-acid change (serine 115 retained).
Molecular consequence: synonymous variant. On other transcripts: 5 prime UTR variant (5), non-coding transcript variant (9), intron variant (2).
Genome position (GRCh38, 1-based): chr9:131,507,432, G>A. VCF-style: chr9-131507432-G-A. GRCh37 (hg19) VCF-style: chr9-134382819-G-A.
Other names: c.183G>A, p.Ser61= (NM_001077366.2, NM_001353194.2, NM_001353197.2 and 3 more transcripts); c.345G>A, p.Ser115= (NM_001136113.2, NM_001353193.2, NM_001374690.1 and 1 more transcripts); c.-7G>A (NM_001136114.2, NM_001353195.2, NM_001353199.2 and 2 more transcripts); c.255G>A, p.Ser85= (NM_001353196.2); c.-29-1479G>A (NM_001374695.1); c.-30+979G>A (NM_001353200.2).
Identifiers: ClinVar variation 285048 (VCV000285048.13), dbSNP rs147212285, ClinGen allele CA5293240.